The following is an entry in ClinVar:

ClinVar aggregate classification (germline): Likely benign (1 of 4 stars; one submission).

Submission:

GeneDx
Classification: Likely benign. Last evaluated: 2018-06-16. Review status: criteria provided, single submitter. Criteria: GeneDx Variant Classification (06012015). Collection method: clinical testing. Allele origin: germline. Affected: yes.
Comment: This variant is considered likely benign or benign based on one or more of the following criteria: it is a conservative change, it occurs at a poorly conserved position in the protein, it is predicted to be benign by multiple in silico algorithms, and/or has population frequency not consistent with disease.

NM_006912.6(RIT1):c.237+90CT[2]

Gene: RIT1 (Ras like without CAAX 1; minus strand). Cytogenetic location: 1q22.
Variant type: Microsatellite.
Coding change: c.237+90CT[2] on transcript NM_006912.6 (MANE Select); two copies in a row of the 2-base unit CT starting at c.237+90; the reference has three copies in a row; one copy, 2 bases deleted.
Molecular consequence: intron variant.
Genome position (GRCh38, 1-based): chr1:155,904,636-155,904,637, AG deleted on the plus strand (CT on the coding strand, the reverse complement: RIT1 is on the minus strand); deleting any 2 consecutive bases within chr1:155,904,636-155,904,642 gives the same sequence; the position shown is the placement nearest the transcript's 3' end. VCF-style (leftmost placement, unchanged base first): chr1-155904635-AAG-A. GRCh37 (hg19) VCF-style: chr1-155874426-AAG-A.
Other names: c.129+90CT[2] (NM_001256820.2); c.288+90CT[2] (NM_001256821.2); c.237+94_237+95delCT (NM_006912.5).
Identifiers: ClinVar variation 561425 (VCV000561425.1), dbSNP rs568820064, ClinGen allele CA1151845.